The following is an entry in ClinVar:

NM_000642.3(AGL):c.3783T>G (p.Asp1261Glu)

Gene: AGL (amylo-alpha-1,6-glucosidase and 4-alpha-glucanotransferase; plus strand). Cytogenetic location: 1p21.2.
Variant type: single nucleotide variant.
Coding change: c.3783T>G on transcript NM_000642.3 (MANE Select); coding-DNA position 3783, T replaced by G.
Protein change: p.Asp1261Glu; replaces aspartic acid 1261 with glutamic acid.
Molecular consequence: missense variant.
Genome position (GRCh38, 1-based): chr1:99,910,794, T>G. VCF-style: chr1-99910794-T-G. GRCh37 (hg19) VCF-style: chr1-100376350-T-G.
Other names: c.3735T>G, p.Asp1245Glu (NM_000646.3); c.3783T>G, p.Asp1261Glu (NM_001425325.1, NM_000028.3, NM_000643.3 and 1 more transcripts); c.3762T>G, p.Asp1254Glu (NM_001425326.1); c.3582T>G, p.Asp1194Glu (NM_001425327.1); c.3579T>G, p.Asp1193Glu (NM_001425328.1); c.3444T>G, p.Asp1148Glu (NM_001425329.1); c.3405T>G, p.Asp1135Glu (NM_001425332.1); short protein forms D1245E, D1261E, D1135E, D1148E, D1193E, D1194E, D1254E.
Identifiers: ClinVar variation 1010037 (VCV001010037.11), dbSNP rs771249925, ClinGen allele CA967213.
Genomic context (GRCh38, chr1:99,910,794, plus strand): 5'-TGATGAAGAAACAGGATTTGTTTATGGAGGAAATCGTTTCAATTGTGGCACATGGATGGA[T>G]AAAATGGGAGAAAGTGACAGAGCTAGAAACAGAGGAATCCCAGCCACACCAAGGTAGTGT-3'
Protein context (NP_000633.2, residues 1251-1271): GNRFNCGTWM[Asp1261Glu]KMGESDRARN

ClinVar aggregate classification (germline): Uncertain significance. Review status: criteria provided, multiple submitters, no conflicts (2 of 4 stars). 3 submissions from 3 submitters: Uncertain significance (2). 1 of the submissions does not count toward it. Last evaluated 2026-06-27.

Conditions:
Glycogen storage disease type III (GSD3). Also called: Cori disease; FORBES DISEASE. Identifiers: Orphanet 366, MedGen C0017922, MONDO:0009291, OMIM 232400.

Allele frequency attached by ClinVar (database versions not stated): ExAC 0.00001; gnomAD exomes 0.00001.
gnomAD v4.1: 9 of 1,613,292 alleles (0.00056%); highest among the groups gnomAD compares: South Asian, 0.0088%; no homozygotes.

Submissions (3):

Myriad Genetics, Inc.
Classification: Uncertain significance for Glycogen storage disease type III. Last evaluated: 2026-06-27. Review status: criteria provided, single submitter. Criteria: Myriad Autosomal Dominant, Autosomal Recessive and X-Linked Classification Criteria (2023). Collection method: clinical testing. Allele origin: unknown.
Comment: NM_000642.2(AGL):c.3783T>G(D1261E) is a missense variant classified as a variant of uncertain significance in the context of glycogen storage disease type III. D1261E has not been observed in cases with relevant disease. Relevant functional assessments of this variant are not available in the literature. D1261E has been observed in referenced population frequency databases. In summary, there is insufficient evidence to classify NM_000642.2(AGL):c.3783T>G(D1261E) as pathogenic or benign. Please note: this variant was assessed in the context of healthy population screening.

Labcorp Genetics (formerly Invitae), Labcorp
Classification: Uncertain significance for Glycogen storage disease type III. Last evaluated: 2021-09-02. Review status: criteria provided, single submitter. Criteria: Invitae Variant Classification Sherloc (09022015). Collection method: clinical testing. Allele origin: germline.
Comment: This sequence change replaces aspartic acid with glutamic acid at codon 1261 of the AGL protein (p.Asp1261Glu). The aspartic acid residue is highly conserved and there is a small physicochemical difference between aspartic acid and glutamic acid. This variant is present in population databases (rs771249925, ExAC 0.006%). This variant has not been reported in the literature in individuals affected with AGL-related conditions. Algorithms developed to predict the effect of missense changes on protein structure and function (SIFT, PolyPhen-2, Align-GVGD) all suggest that this variant is likely to be disruptive. In summary, the available evidence is currently insufficient to determine the role of this variant in disease. Therefore, it has been classified as a Variant of Uncertain Significance.

Natera, Inc.
Classification: Uncertain significance for Glycogen storage disease type III. Last evaluated: 2020-03-17. Review status: no assertion criteria provided. Collection method: clinical testing. Allele origin: germline. Not counted in ClinVar's aggregate classification.